The following is an entry in ClinVar:

ClinVar aggregate classification (germline): Uncertain significance. Review status: criteria provided, multiple submitters, no conflicts (2 of 4 stars). 3 submissions from 3 submitters: Uncertain significance (3). Last evaluated 2023-10-27.

Conditions:
Primary hyperoxaluria, type I (HP1). Also called: GLYCOLIC ACIDURIA; HEPATIC AGT DEFICIENCY; OXALOSIS I; Primary hyperoxaluria type 1. Identifiers: Orphanet 416, Orphanet 93598, MedGen C0268164, MONDO:0009823, OMIM 259900. Disease mechanism: loss of function.

Allele frequency attached by ClinVar (database versions not stated): TOPMed 0.00006.
gnomAD v4.1: 171 of 1,555,546 alleles (0.011%); highest among the groups gnomAD compares: Non-Finnish European, 0.014%; no homozygotes.

Submissions (3):

Clinical Biochemistry Laboratory, Health Services Laboratory
Classification: Uncertain significance for Primary hyperoxaluria, type I. Last evaluated: 2023-10-27. Review status: criteria provided, single submitter. Criteria: ACMG Guidelines, 2015. Collection method: clinical testing. Allele origin: germline. Affected: yes.
Comment: PMID: 24718375 reported normal stability and activity in vitro. ACMG: PM2 PP3 BS3

Women's Health and Genetics/Laboratory Corporation of America, LabCorp
Classification: Uncertain significance. Last evaluated: 2022-03-01. Review status: criteria provided, single submitter. Criteria: LabCorp Variant Classification Summary - May 2015. Collection method: clinical testing. Allele origin: germline.
Comment: Variant summary: AGXT c.385G>C (p.Asp129His) results in a non-conservative amino acid change in the encoded protein sequence. Four of five in-silico tools predict a damaging effect of the variant on protein function. The variant allele was found at a frequency of 8e-05 in 163230 control chromosomes (gnomAD). This frequency is not higher than the estimated maximum expected for a pathogenic variant in AGXT causing Primary Hyperoxaluria Type 1 (0.0024), allowing no conclusion about variant significance. The variant, c.385G>C, has been reported in the literature to be found in at least one individual affected with Primary Hyperoxaluria Type 1, however no second variant was specified and no phenotype details were provided (Williams_2009); the variant was noted to be found on the major allele. At least one publication reported experimental evidence evaluating an impact on protein function, and demonstrated wild-type activity and stability in a yeast growth assay, and normal expression and localization in COS-7 cells, however the variant was expressed on the minor allele (i.e. in cis with the polymorphic variant c.32C>T /P11L, which is less stable and has less activity than the major allele), and authors noted that (though unlikely) it cannot be excluded that this variant could show an effect in the context of the major allele (Lage_2014). No clinical diagnostic laboratories have submitted clinical-significance assessments for this variant to ClinVar after 2014. Based on the evidence outlined above, the variant was classified as VUS-possibly benign.

Labcorp Genetics (formerly Invitae), Labcorp
Classification: Uncertain significance. Last evaluated: 2021-09-24. Review status: criteria provided, single submitter. Criteria: Invitae Variant Classification Sherloc (09022015). Collection method: clinical testing. Allele origin: germline.
Comment: This sequence change replaces aspartic acid with histidine at codon 129 of the AGXT protein (p.Asp129His). The aspartic acid residue is weakly conserved and there is a moderate physicochemical difference between aspartic acid and histidine. This variant is present in population databases (rs180177212, ExAC 0.01%). This variant has been observed in individual(s) with clinical features of primary hyperoxaluria, type 1 (PMID: 19479957). ClinVar contains an entry for this variant (Variation ID: 204034). Advanced modeling of protein sequence and biophysical properties (such as structural, functional, and spatial information, amino acid conservation, physicochemical variation, residue mobility, and thermodynamic stability) performed at Invitae indicates that this missense variant is expected to disrupt AGXT protein function. In summary, the available evidence is currently insufficient to determine the role of this variant in disease. Therefore, it has been classified as a Variant of Uncertain Significance.

Literature cited by the submitters: PubMed 24718375 (cited by Clinical Biochemistry Laboratory, Health Services Laboratory and Women's Health and Genetics/Laboratory Corporation of America, LabCorp); PubMed 19479957 (cited by 3 submitters); PubMed 28906061 (cited by Women's Health and Genetics/Laboratory Corporation of America, LabCorp); PubMed 25620715 (cited by Women's Health and Genetics/Laboratory Corporation of America, LabCorp).

NM_000030.3(AGXT):c.385G>C (p.Asp129His)

Gene: AGXT (alanine--glyoxylate aminotransferase; plus strand). Cytogenetic location: 2q37.3.
Variant type: single nucleotide variant.
Coding change: c.385G>C on transcript NM_000030.3 (MANE Select); coding-DNA position 385, G replaced by C.
Protein change: p.Asp129His; replaces aspartic acid 129 with histidine.
Molecular consequence: missense variant.
Genome position (GRCh38, 1-based): chr2:240,870,670, G>C. VCF-style: chr2-240870670-G-C. GRCh37 (hg19) VCF-style: chr2-241810087-G-C.
Other names: short protein forms D129H.
Identifiers: ClinVar variation 204034 (VCV000204034.6), dbSNP rs180177212, ClinGen allele CA275570.
Genomic context (GRCh38, chr2:240,870,670, plus strand): 5'-GGGACACTCACGGCCCACTCTGTCCTGCACCCAGGAGCCCGAGTGCACCCGATGACCAAG[G>C]ACCCTGGAGGCCACTACACACTGCAGGAGGTGGAGGAGGTAGGGGACCCGGGGTGGGGGT-3'
Protein context (NP_000021.1, residues 119-139): IGARVHPMTK[Asp129His]PGGHYTLQEV